The following is an entry in ClinVar:

ClinVar aggregate classification (germline): Uncertain significance (1 of 4 stars; one submission).

Submission:

Labcorp Genetics (formerly Invitae), Labcorp
Classification: Uncertain significance. Last evaluated: 2022-05-19. Review status: criteria provided, single submitter. Criteria: Invitae Variant Classification Sherloc (09022015). Collection method: clinical testing. Allele origin: germline.
Comment: This sequence change falls in intron 24 of the ABCC6 gene. It does not directly change the encoded amino acid sequence of the ABCC6 protein. Information on the frequency of this variant in the gnomAD database is not available, as this variant may be reported differently in the database. This variant has not been reported in the literature in individuals affected with ABCC6-related conditions. Experimental studies and prediction algorithms are not available or were not evaluated, and the effect of this variant on mRNA splicing is currently unknown. In summary, the available evidence is currently insufficient to determine the role of this variant in disease. Therefore, it has been classified as a Variant of Uncertain Significance.

NM_001171.6(ABCC6):c.3507-17_3507-16inv

Gene: ABCC6 (ATP binding cassette subfamily C member 6; minus strand). Cytogenetic location: 16p13.11.
Variant type: Inversion.
Coding change: c.3507-17_3507-16inv on transcript NM_001171.6 (MANE Select).
Molecular consequence: intron variant.
Genome position: GRCh38 VCF-style: chr16-16161580-AC-GT. GRCh37 (hg19) VCF-style: chr16-16255437-AC-GT.
Other names: c.3165-17_3165-16inv (NM_001351800.1).
Identifiers: ClinVar variation 1996296 (VCV001996296.1), ClinGen allele CA2580090824.